The following is an entry in ClinVar:

NM_006231.4(POLE):c.972C>G (p.Pro324=)

Gene: POLE (DNA polymerase epsilon, catalytic subunit; minus strand). Cytogenetic location: 12q24.33.
Variant type: single nucleotide variant.
Coding change: c.972C>G on transcript NM_006231.4 (MANE Select); coding-DNA position 972, C replaced by G.
Protein change: p.Pro324=; no amino-acid change (proline 324 retained).
Molecular consequence: synonymous variant.
Genome position (GRCh38, 1-based): chr12:132,676,142, G>C on the plus strand (C>G on the coding strand, the complement: POLE is on the minus strand). VCF-style: chr12-132676142-G-C. GRCh37 (hg19) VCF-style: chr12-133252728-G-C.
Identifiers: ClinVar variation 413510 (VCV000413510.17), dbSNP rs745638752, ClinGen allele CA6894131.

ClinVar aggregate classification (germline): Conflicting classifications of pathogenicity. Review status: criteria provided, conflicting classifications (1 of 4 stars). 4 submissions from 4 submitters: Uncertain significance (1); Benign (1); Likely benign (2). Last evaluated 2025-11-11.

Conditions:
Polymerase proofreading-related adenomatous polyposis. Also called: Polymerase proofreading associated polyposis; Polymerase proofreading–associated polyposis (PPAP). Identifiers: Orphanet 447877, MedGen C5202613, MONDO:0018653.
Familial colorectal cancer type X. Identifiers: Orphanet 440437, MedGen C3896578, MONDO:0018604.
Colorectal cancer, susceptibility to, 12 (CRCS12). Also called: COLORECTAL CANCER, SUSCEPTIBILITY TO, ON CHROMOSOME 12q24. Identifiers: Orphanet 220460, MedGen C3554460, MONDO:0014038, OMIM 615083.
Hereditary cancer-predisposing syndrome. Also called: Neoplastic Syndromes, Hereditary; Tumor predisposition; Hereditary Cancer Syndrome; Hereditary neoplastic syndrome. Identifiers: Orphanet 140162, MedGen C0027672, MeSH D009386, MONDO:0015356.

Allele frequency attached by ClinVar (database versions not stated): gnomAD exomes below 0.00001; ExAC 0.00001; gnomAD 0.00001; TOPMed 0.00001.
gnomAD v4.1: 4 of 1,612,816 alleles (0.00025%); highest among the groups gnomAD compares: African/African-American, 0.004%; no homozygotes.

Submissions (4):

Labcorp Genetics (formerly Invitae), Labcorp
Classification: Likely benign. Last evaluated: 2025-11-11. Review status: criteria provided, single submitter. Criteria: Invitae Variant Classification Sherloc (09022015). Collection method: clinical testing. Allele origin: germline.

Myriad Genetics, Inc.
Classification: Benign for Colorectal cancer, susceptibility to, 12. Last evaluated: 2025-02-07. Review status: criteria provided, single submitter. Criteria: Myriad Autosomal Dominant, Autosomal Recessive and X-Linked Classification Criteria (2023). Collection method: clinical testing. Allele origin: unknown.
Comment: This variant is considered benign. This variant is a silent/synonymous amino acid change and it is not expected to impact splicing.

Department of Pathology and Laboratory Medicine, Sinai Health System
Classification: Uncertain significance for Polymerase proofreading-related adenomatous polyposis; Familial colorectal cancer type X. Last evaluated: 2021-07-13. Review status: criteria provided, single submitter. Criteria: ACMG Guidelines, 2015. Collection method: clinical testing. Allele origin: germline. Affected: yes.

Ambry Genetics
Classification: Likely benign for Hereditary cancer-predisposing syndrome. Last evaluated: 2020-11-09. Review status: criteria provided, single submitter. Criteria: Ambry Variant Classification Scheme 2023. Collection method: clinical testing. Allele origin: germline.